The following is an entry in ClinVar:

NM_014795.4(ZEB2):c.2621A>C (p.Asn874Thr)

Gene: ZEB2 (zinc finger E-box binding homeobox 2; minus strand). Cytogenetic location: 2q22.3.
Variant type: single nucleotide variant.
Coding change: c.2621A>C on transcript NM_014795.4 (MANE Select); coding-DNA position 2621, A replaced by C.
Protein change: p.Asn874Thr; replaces asparagine 874 with threonine.
Molecular consequence: missense variant.
Genome position (GRCh38, 1-based): chr2:144,398,566, T>G on the plus strand (A>C on the coding strand, the complement: ZEB2 is on the minus strand). VCF-style: chr2-144398566-T-G. GRCh37 (hg19) VCF-style: chr2-145156133-T-G.
Other names: c.2549A>C, p.Asn850Thr (NM_001171653.2); short protein forms N874T, N850T.
Identifiers: ClinVar variation 534633 (VCV000534633.10), dbSNP rs1477010525, ClinGen allele CA348707727.
Genomic context (GRCh38, chr2:144,398,566, plus strand): 5'-AAAGGTTTGGCACTAAATGGGTTCATGCTGAACACTGGGTTAGTGCTTTTGTTGTCCAGA[T>G]TATTTGAATTTGAAAATTCCTTCTTGATAAAAGTCAAGTTCAGAGGCTCATCTGAGTTTT-3'
Protein context (NP_055610.1, residues 864-884): FIKKEFSNSN[Asn874Thr]LDNKSTNPVF

ClinVar aggregate classification (germline): Uncertain significance (1 of 4 stars; one submission).

Conditions:
Mowat-Wilson syndrome (MOWS). Also called: Classic Mowat-Wilson Syndrome. Identifiers: Orphanet 2152, MedGen C1856113, MONDO:0009341, OMIM 235730.

Allele frequency attached by ClinVar (database versions not stated): gnomAD exomes below 0.00001; TOPMed below 0.00001; gnomAD 0.00001.
gnomAD v4.1: 4 of 1,614,050 alleles (0.00025%); highest among the groups gnomAD compares: Middle Eastern, 0.049%; no homozygotes.

Submission:

Labcorp Genetics (formerly Invitae), Labcorp
Classification: Uncertain significance for Mowat-Wilson syndrome. Last evaluated: 2022-07-19. Review status: criteria provided, single submitter. Criteria: Invitae Variant Classification Sherloc (09022015). Collection method: clinical testing. Allele origin: germline.
Comment: In summary, the available evidence is currently insufficient to determine the role of this variant in disease. Therefore, it has been classified as a Variant of Uncertain Significance. Algorithms developed to predict the effect of missense changes on protein structure and function are either unavailable or do not agree on the potential impact of this missense change (SIFT: "Deleterious"; PolyPhen-2: "Benign"; Align-GVGD: "Class C0"). ClinVar contains an entry for this variant (Variation ID: 534633). This variant has not been reported in the literature in individuals affected with ZEB2-related conditions. This variant is not present in population databases (gnomAD no frequency). This sequence change replaces asparagine, which is neutral and polar, with threonine, which is neutral and polar, at codon 874 of the ZEB2 protein (p.Asn874Thr).